The following is an entry in ClinVar:

NM_006623.4(PHGDH):c.1132C>T (p.Leu378Phe)

Gene: PHGDH (phosphoglycerate dehydrogenase; plus strand). Cytogenetic location: 1p12.
Variant type: single nucleotide variant.
Coding change: c.1132C>T on transcript NM_006623.4 (MANE Select); coding-DNA position 1132, C replaced by T.
Protein change: p.Leu378Phe; replaces leucine 378 with phenylalanine.
Molecular consequence: missense variant.
Genome position (GRCh38, 1-based): chr1:119,741,820, C>T. VCF-style: chr1-119741820-C-T. GRCh37 (hg19) VCF-style: chr1-120284443-C-T.
Other names: short protein forms L378F.
Identifiers: ClinVar variation 1363254 (VCV001363254.5), dbSNP rs1047310984, ClinGen allele CA30263095.

ClinVar aggregate classification (germline): Uncertain significance (1 of 4 stars; one submission).

Conditions:
PHGDH deficiency. Identifiers: Orphanet 79351, MedGen C1866174, MONDO:0011152, OMIM 601815.

Allele frequency attached by ClinVar (database versions not stated): gnomAD exomes below 0.00001; gnomAD 0.00001; TOPMed 0.00003.
gnomAD v4.1: 5 of 1,613,098 alleles (0.00031%); highest among the groups gnomAD compares: African/African-American, 0.0067%; no homozygotes.

Submission:

Labcorp Genetics (formerly Invitae), Labcorp
Classification: Uncertain significance for PHGDH deficiency. Last evaluated: 2022-08-16. Review status: criteria provided, single submitter. Criteria: Invitae Variant Classification Sherloc (09022015). Collection method: clinical testing. Allele origin: germline.
Comment: This sequence change replaces leucine, which is neutral and non-polar, with phenylalanine, which is neutral and non-polar, at codon 378 of the PHGDH protein (p.Leu378Phe). This variant is present in population databases (no rsID available, gnomAD 0.007%). This variant has not been reported in the literature in individuals affected with PHGDH-related conditions. ClinVar contains an entry for this variant (Variation ID: 1363254). Algorithms developed to predict the effect of missense changes on protein structure and function are either unavailable or do not agree on the potential impact of this missense change (SIFT: "Deleterious"; PolyPhen-2: "Benign"; Align-GVGD: "Class C0"). In summary, the available evidence is currently insufficient to determine the role of this variant in disease. Therefore, it has been classified as a Variant of Uncertain Significance.